The following is an entry in ClinVar:

ClinVar aggregate classification (germline): Pathogenic (1 of 4 stars; one submission).

Submission:

Illumina Laboratory Services, Illumina
Classification: Pathogenic. Last evaluated: 2023-05-11. Review status: criteria provided, single submitter. Criteria: ICSL CNVClassificationCriteria Aug2020. Collection method: clinical testing. Allele origin: unknown.
Comment: This CNV is a 17 kb deletion of Xq28 on chromosome X, (seq[GRCh37]del(X)(q28);NC_000023.10:g.149823254_149839805del). This CNV affects a single protein coding gene and constitutes an in-frame deletion of exons 11-14 of the MTM1 gene. The deletion includes approximately 40% of the phosphatase domain and is expected to disrupt the function of the gene product. Up to 7% of MTM1 variants associated with X-linked centronuclear myopathy are deletions involving one or more exons, and such deletions frequently cause severe disease (PMID: 10790201; 11793470; 12522554; 15145343; 15725586). An in-frame deletion of exon 13 has been reported in a patient with biopsy-proven centronuclear myopathy whose clinical presentation was described as severe (PMID: 11793470). Based on the available evidence, this CNV is classified as pathogenic for X-linked centronuclear myopathy.

Single allele

Gene: MTM1 (myotubularin 1; plus strand). Cytogenetic location: Xq28.
Variant type: Deletion.
Identifiers: ClinVar variation 2671627 (VCV002671627.1).